The following is an entry in ClinVar:

NM_006946.4(SPTBN2):c.6772T>C (p.Tyr2258His)

Gene: SPTBN2 (spectrin beta, non-erythrocytic 2; minus strand). Cytogenetic location: 11q13.2.
Variant type: single nucleotide variant.
Coding change: c.6772T>C on transcript NM_006946.4 (MANE Select); coding-DNA position 6772, T replaced by C.
Protein change: p.Tyr2258His; replaces tyrosine 2258 with histidine.
Molecular consequence: missense variant.
Genome position (GRCh38, 1-based): chr11:66,687,118, A>G on the plus strand (T>C on the coding strand, the complement: SPTBN2 is on the minus strand). VCF-style: chr11-66687118-A-G. GRCh37 (hg19) VCF-style: chr11-66454589-A-G.
Other names: c.6793T>C, p.Tyr2265His (NM_001411025.1); c.6772T>C, p.Tyr2258His (NM_001437541.1); short protein forms Y2258H, Y2265H.
Identifiers: ClinVar variation 4278697 (VCV004278697.1).

ClinVar aggregate classification (germline): Uncertain significance (1 of 4 stars; one submission).

Submission:

GeneDx
Classification: Uncertain significance. Last evaluated: 2025-03-31. Review status: criteria provided, single submitter. Criteria: GeneDx Variant Classification Process June 2021. Collection method: clinical testing. Allele origin: germline. Affected: yes.
Comment: Not observed at significant frequency in large population cohorts (gnomAD); In silico analysis supports that this missense variant has a deleterious effect on protein structure/function; Has not been previously published as pathogenic or benign to our knowledge